The following is an entry in ClinVar:

ClinVar aggregate classification (germline): Uncertain significance. Review status: criteria provided, multiple submitters, no conflicts (2 of 4 stars). 3 submissions from 3 submitters: Uncertain significance (3). Last evaluated 2025-12-08.

Conditions:
Iron-refractory iron deficiency anemia (IRIDA). Also called: ANEMIA, HYPOCHROMIC MICROCYTIC, WITH DEFECT IN IRON METABOLISM; PSEUDO-IRON-DEFICIENCY ANEMIA; IRON-HANDLING DISORDER, HEREDITARY; IRIDA syndrome. Identifiers: Orphanet 209981, MedGen C0085576, MONDO:0008788, OMIM 206200. Disease mechanism: loss of function.
Inborn genetic diseases. Identifiers: MedGen C0950123, MeSH D030342.

Allele frequency attached by ClinVar (database versions not stated): gnomAD 0.00001; TOPMed 0.00001; gnomAD exomes 0.00002; ExAC 0.00003.
gnomAD v4.1: 25 of 1,612,138 alleles (0.0016%); highest among the groups gnomAD compares: South Asian, 0.0066%; no homozygotes.

Submissions (3):

Ambry Genetics
Classification: Uncertain significance for Inborn genetic diseases. Last evaluated: 2025-12-08. Review status: criteria provided, single submitter. Criteria: Ambry Variant Classification Scheme 2023. Collection method: clinical testing. Allele origin: germline.
Comment: The c.835G>A (p.G279R) alteration is located in exon 7 (coding exon 7) of the TMPRSS6 gene. This alteration results from a G to A substitution at nucleotide position 835, causing the glycine (G) at amino acid position 279 to be replaced by an arginine (R). Based on data from gnomAD, the A allele has an overall frequency of 0.002% (6/275674) total alleles studied. The highest observed frequency was 0.014% (1/7070) of Other alleles. This variant has been identified in the homozygous state and/or in conjunction with other TMPRSS6 variant(s) in individual(s) with features consistent with Iron-refractory iron deficiency anaemia; in at least one instance, the variants were identified in trans (Sharma, 2021). Note, this variant is also referred to as c.808G>A (p. Gly270Arg) in the literature. This amino acid position is not well conserved in available vertebrate species. The in silico prediction for this alteration is inconclusive. Based on insufficient or conflicting evidence, the clinical significance of this alteration remains unclear.

ARUP Laboratories, Molecular Genetics and Genomics, ARUP Laboratories
Classification: Uncertain significance for Iron-refractory iron deficiency anemia. Last evaluated: 2023-12-22. Review status: criteria provided, single submitter. Criteria: ARUP Molecular Germline Variant Investigation Process 2024. Collection method: clinical testing. Allele origin: germline.

Labcorp Genetics (formerly Invitae), Labcorp
Classification: Uncertain significance. Last evaluated: 2022-04-07. Review status: criteria provided, single submitter. Criteria: Invitae Variant Classification Sherloc (09022015). Collection method: clinical testing. Allele origin: germline.
Comment: This variant is present in population databases (rs771756917, gnomAD 0.01%). This sequence change replaces glycine, which is neutral and non-polar, with arginine, which is basic and polar, at codon 279 of the TMPRSS6 protein (p.Gly279Arg). This missense change has been observed in individual(s) with clinical features of iron refractory iron deficiency anemia (Invitae). In at least one individual the data is consistent with being in trans (on the opposite chromosome) from a pathogenic variant. In summary, the available evidence is currently insufficient to determine the role of this variant in disease. Therefore, it has been classified as a Variant of Uncertain Significance. Algorithms developed to predict the effect of missense changes on protein structure and function are either unavailable or do not agree on the potential impact of this missense change (SIFT: "Deleterious"; PolyPhen-2: "Possibly Damaging"; Align-GVGD: "Class C15").

Literature cited by the submitters: PubMed 33930800 (cited by Ambry Genetics).

NM_001374504.1(TMPRSS6):c.808G>A (p.Gly270Arg)

Gene: TMPRSS6 (transmembrane serine protease 6; minus strand). Cytogenetic location: 22q12.3.
Variant type: single nucleotide variant.
Coding change: c.808G>A on transcript NM_001374504.1 (MANE Select); coding-DNA position 808, G replaced by A.
Protein change: p.Gly270Arg; replaces glycine 270 with arginine.
Molecular consequence: missense variant.
Genome position (GRCh38, 1-based): chr22:37,089,606, C>T on the plus strand (G>A on the coding strand, the complement: TMPRSS6 is on the minus strand). VCF-style: chr22-37089606-C-T. GRCh37 (hg19) VCF-style: chr22-37485646-C-T.
Other names: c.835G>A (NM_153609.2); c.808G>A, p.Gly270Arg (NM_001289000.2, NM_001289001.2, NM_153609.4); short protein forms G270R.
Identifiers: ClinVar variation 1969149 (VCV001969149.7), dbSNP rs771756917, ClinGen allele CA10215909.